The following is an entry in ClinVar:

NM_002107.7(H3-3A):c.239A>C (p.Lys80Thr)

Gene: H3-3A (H3.3 histone A; plus strand). Cytogenetic location: 1q42.12.
Variant type: single nucleotide variant.
Coding change: c.239A>C on transcript NM_002107.7 (MANE Select); coding-DNA position 239, A replaced by C.
Protein change: p.Lys80Thr; replaces lysine 80 with threonine.
Molecular consequence: missense variant.
Genome position (GRCh38, 1-based): chr1:226,065,766, A>C. VCF-style: chr1-226065766-A-C. GRCh37 (hg19) VCF-style: chr1-226253467-A-C.
Other names: c.239A>C, p.Lys80Thr (NM_001379043.1, NM_001379045.1, NM_001379046.1 and 1 more transcripts); short protein forms K80T.
Identifiers: ClinVar variation 450704 (VCV000450704.3), dbSNP rs1553260740, ClinGen allele CA345017372.

ClinVar aggregate classification (germline): Pathogenic (1 of 4 stars; one submission).

Submission:

GeneDx
Classification: Pathogenic. Last evaluated: 2026-09-18. Review status: criteria provided, single submitter. Criteria: GeneDx Variant Classification Process June 2021. Collection method: clinical testing. Allele origin: germline.
Comment: De novo variant with confirmed parentage in a patient in published literature from a cohort of individuals with developmental disorders; however, detailed clinical information was not provided (PMID: 33057194); Not observed at significant frequency in large population cohorts (gnomAD); In silico analysis supports that this missense variant has a deleterious effect on protein structure/function; This variant is associated with the following publications: (PMID: 35982159, 33057194)